The following is an entry in ClinVar:

NM_001211.6(BUB1B):c.2332T>C (p.Tyr778His)

Gene: BUB1B (BUB1 mitotic checkpoint serine/threonine kinase B; plus strand). Cytogenetic location: 15q15.1.
Variant type: single nucleotide variant.
Coding change: c.2332T>C on transcript NM_001211.6 (MANE Select); coding-DNA position 2332, T replaced by C.
Protein change: p.Tyr778His; replaces tyrosine 778 with histidine.
Molecular consequence: missense variant.
Genome position (GRCh38, 1-based): chr15:40,210,157, T>C. VCF-style: chr15-40210157-T-C. GRCh37 (hg19) VCF-style: chr15-40502358-T-C.
Other names: short protein forms Y778H.
Identifiers: ClinVar variation 2450814 (VCV002450814.2), dbSNP rs2542572780, ClinGen allele CA391694963.

ClinVar aggregate classification (germline): Uncertain significance (1 of 4 stars; one submission).

Conditions:
Inborn genetic diseases. Identifiers: MedGen C0950123, MeSH D030342.

Allele frequency attached by ClinVar (database versions not stated): gnomAD exomes below 0.00001.
gnomAD v4.1: 1 of 1,612,862 alleles (0.000062%); highest among the groups gnomAD compares: Non-Finnish European, 0.000085%; no homozygotes.

Submission:

Ambry Genetics
Classification: Uncertain significance for Inborn genetic diseases. Last evaluated: 2022-11-30. Review status: criteria provided, single submitter. Criteria: Ambry Variant Classification Scheme 2023. Collection method: clinical testing. Allele origin: germline.
Comment: The p.Y778H variant (also known as c.2332T>C), located in coding exon 18 of the BUB1B gene, results from a T to C substitution at nucleotide position 2332. The tyrosine at codon 778 is replaced by histidine, an amino acid with similar properties. This amino acid position is conserved. In addition, the in silico prediction for this alteration is inconclusive. Since supporting evidence is limited at this time, the clinical significance of this alteration remains unclear.